The following is an entry in ClinVar:

ClinVar aggregate classification (germline): Pathogenic (1 of 4 stars; one submission).

Submission:

Labcorp Genetics (formerly Invitae), Labcorp
Classification: Pathogenic. Last evaluated: 2023-12-18. Review status: criteria provided, single submitter. Criteria: Invitae Variant Classification Sherloc (09022015). Collection method: clinical testing. Allele origin: germline.
Comment: This sequence change creates a premature translational stop signal (p.Lys414Leufs*36) in the FH gene. While this is not anticipated to result in nonsense mediated decay, it is expected to disrupt the last 97 amino acid(s) of the FH protein. This variant is not present in population databases (gnomAD no frequency). This variant has not been reported in the literature in individuals affected with FH-related conditions. This variant disrupts a region of the FH protein in which other variant(s) (p.Trp500*) have been determined to be pathogenic (PMID: 9635293, 21398687). This suggests that this is a clinically significant region of the protein, and that variants that disrupt it are likely to be disease-causing. For these reasons, this variant has been classified as Pathogenic.

Literature cited by the submitters: PubMed 9635293; PubMed 21398687.

NM_000143.4(FH):c.1238_1239dup (p.Lys414fs)

Gene: FH (fumarate hydratase; minus strand). Cytogenetic location: 1q43.
Variant type: Duplication.
Coding change: c.1238_1239dup on transcript NM_000143.4 (MANE Select); coding-DNA positions 1238 to 1239, 2 bases duplicated (TT; older notation c.1238_1239dupTT).
Protein change: p.Lys414fs; shifts the reading frame from lysine 414.
Molecular consequence: frameshift variant.
Genome position (GRCh38, 1-based): chr1:241,500,588-241,500,589, AA duplicated on the plus strand (TT on the coding strand, the reverse complement: FH is on the minus strand). VCF-style (leftmost placement, unchanged base first): chr1-241500587-T-TAA. GRCh37 (hg19) VCF-style: chr1-241663887-T-TAA.
Other names: short protein forms K414fs.
Identifiers: ClinVar variation 2700958 (VCV002700958.3), dbSNP rs2527313228, ClinGen allele CA2697547759.